The following is an entry in ClinVar:

ClinVar aggregate classification (germline): Likely benign (1 of 4 stars; one submission).

Conditions:
Sessile serrated polyposis cancer syndrome (SSPCS). Identifiers: Orphanet 157798, MedGen C4310714, MONDO:0014919, OMIM 617108.

Submission:

Myriad Genetics, Inc.
Classification: Likely benign for Sessile serrated polyposis cancer syndrome. Last evaluated: 2026-06-26. Review status: criteria provided, single submitter. Criteria: Myriad Autosomal Dominant, Autosomal Recessive and X-Linked Classification Criteria (2023). Collection method: clinical testing. Allele origin: unknown.
Comment: This variant is considered likely benign. This variant is intronic and is not expected to impact mRNA splicing.

NM_017763.6(RNF43):c.450+6C>T

Gene: RNF43 (ring finger protein 43; minus strand). Cytogenetic location: 17q22.
Variant type: single nucleotide variant.
Coding change: c.450+6C>T on transcript NM_017763.6 (MANE Select); 6 bases into the intron after coding-DNA position 450, C replaced by T.
Molecular consequence: intron variant.
Genome position (GRCh38, 1-based): chr17:58,363,520, G>A on the plus strand (C>T on the coding strand, the complement: RNF43 is on the minus strand). VCF-style: chr17-58363520-G-A. GRCh37 (hg19) VCF-style: chr17-56440881-G-A.
Other names: c.450+6C>T (NM_001438822.1, NM_001305544.3, NM_001438820.1 and 1 more transcripts); c.69+6C>T (NM_001305545.2, NM_001437987.1).
Identifiers: ClinVar variation 4875991 (VCV004875991.1).
Genomic context (GRCh38, chr17:58,363,520, plus strand): 5'-CTCCCCTGAGAGCTTTATCTTCCTCCATCCAGCCCCCACCTTGAACACGCAAATGTCCCT[G>A]GGTACCTGCTCAGCAGCAGCTCGATCCTCAGTGATGTCAAAGAGGACAGCACTGGCTCCT-3'